The following is an entry in ClinVar:

ClinVar aggregate classification (germline): Uncertain significance (1 of 4 stars; one submission).

Conditions:
Blau syndrome (BLAUS). Also called: GRANULOMATOSIS, FAMILIAL JUVENILE SYSTEMIC; GRANULOMATOSIS, FAMILIAL, BLAU TYPE; GRANULOMATOUS INFLAMMATORY ARTHRITIS, DERMATITIS, AND UVEITIS, FAMILIAL; JABS SYNDROME; ARTHROCUTANEOUVEAL GRANULOMATOSIS. Identifiers: Orphanet 90340, MedGen C5201146, MONDO:0008523, OMIM 186580.
Regional enteritis. Also called: Enteritis, Granulomatous. Identifiers: MedGen C0678202, MeSH D003424.

gnomAD v4.1: 1 of 1,613,500 alleles (0.000062%); highest among the groups gnomAD compares: Non-Finnish European, 0.000085%; no homozygotes.

Submission:

Labcorp Genetics (formerly Invitae), Labcorp
Classification: Uncertain significance for Regional enteritis; Blau syndrome. Last evaluated: 2020-03-22. Review status: criteria provided, single submitter. Criteria: Invitae Variant Classification Sherloc (09022015). Collection method: clinical testing. Allele origin: germline.
Comment: This variant has not been reported in the literature in individuals with NOD2-related conditions. The current clinical and genetic evidence is not sufficient to establish whether loss-of-function variants in NOD2 cause disease. In summary, the available evidence is currently insufficient to determine the role of this variant in disease. Therefore, it has been classified as a Variant of Uncertain Significance. This variant is not present in population databases (ExAC no frequency). This sequence change creates a premature translational stop signal (p.Gln519*) in the NOD2 gene. It is expected to result in an absent or disrupted protein product.

NM_001370466.1(NOD2):c.1474C>T (p.Gln492Ter)

Gene: NOD2 (nucleotide binding oligomerization domain containing 2; plus strand). Cytogenetic location: 16q12.1.
Variant type: single nucleotide variant.
Coding change: c.1474C>T on transcript NM_001370466.1 (MANE Select); coding-DNA position 1474, C replaced by T.
Protein change: p.Gln492Ter; replaces glutamine 492 with a stop codon.
Molecular consequence: nonsense. On other transcripts: non-coding transcript variant (1).
Genome position (GRCh38, 1-based): chr16:50,711,466, C>T. VCF-style: chr16-50711466-C-T. GRCh37 (hg19) VCF-style: chr16-50745377-C-T.
Other names: c.1474C>T, p.Gln492Ter (NM_001293557.2); c.1555C>T, p.Gln519Ter (NM_022162.3); short protein forms Q492*, Q519*.
Identifiers: ClinVar variation 1042000 (VCV001042000.7), dbSNP rs1964496675, ClinGen allele CA395869168.